The following is an entry in ClinVar:

ClinVar aggregate classification (germline): Pathogenic (1 of 4 stars; one submission).

Conditions:
H syndrome. Also called: HISTIOCYTOSIS AND LYMPHADENOPATHY WITH OR WITHOUT CUTANEOUS, CARDIAC, AND/OR ENDOCRINE FEATURES, JOINT CONTRACTURES, AND/OR DEAFNESS; HYPERPIGMENTATION, CUTANEOUS, WITH HYPERTRICHOSIS, HEPATOSPLENOMEGALY, HEART ANOMALIES, AND HYPOGONADISM WITH OR WITHOUT HEARING LOSS; PIGMENTED HYPERTRICHOSIS WITH INSULIN-DEPENDENT DIABETES MELLITUS; ROSAI-DORFMAN DISEASE, FAMILIAL; SINUS HISTIOCYTOSIS AND MASSIVE LYMPHADENOPATHY; Hyperpigmentation, Cutaneous, with Hypertrichosis, Hepatosplenomegaly, Heart Anomalies, Hearing Loss, and Hypogonadism. Identifiers: Orphanet 168569, MedGen C1864445, MONDO:0011273, OMIM 602782.

Submission:

Labcorp Genetics (formerly Invitae), Labcorp
Classification: Pathogenic for H syndrome. Last evaluated: 2022-08-15. Review status: criteria provided, single submitter. Criteria: Invitae Variant Classification Sherloc (09022015). Collection method: clinical testing. Allele origin: germline.
Comment: This variant is a gross deletion of the genomic region encompassing exon(s) 4-6 of the SLC29A3 gene, which includes the termination codon. This deletion extends beyond the assayed region for this gene and therefore may encompass additional genes. While this deletion is not anticipated to lead to nonsense mediated decay, it is expected to alter mRNA translation or result in a truncated protein product. This variant has not been reported in the literature in individuals affected with SLC29A3-related conditions. For these reasons, this variant has been classified as Pathogenic. This variant disrupts a region of the SLC29A3 protein in which other variant(s) (p.Glu444*) have been determined to be pathogenic (PMID: 17461801, 19336477; Invitae). This suggests that this is a clinically significant region of the protein, and that variants that disrupt it are likely to be disease-causing.

Literature cited by the submitters: PubMed 17461801; PubMed 19336477.

NC_000010.10:g.(?_73111299)_(73122365_?)del

Gene: SLC29A3 (solute carrier family 29 member 3; plus strand). Cytogenetic location: 10q22.1.
Variant type: Deletion.
Identifiers: ClinVar variation 2426464 (VCV002426464.3).